The following is an entry in ClinVar:

NM_020338.4(ZMIZ1):c.80A>G (p.Asn27Ser)

Gene: ZMIZ1 (zinc finger MIZ-type containing 1; plus strand). Cytogenetic location: 10q22.3.
Variant type: single nucleotide variant.
Coding change: c.80A>G on transcript NM_020338.4 (MANE Select); coding-DNA position 80, A replaced by G.
Protein change: p.Asn27Ser; replaces asparagine 27 with serine.
Molecular consequence: missense variant.
Genome position (GRCh38, 1-based): chr10:79,208,355, A>G. VCF-style: chr10-79208355-A-G. GRCh37 (hg19) VCF-style: chr10-80968112-A-G.
Other names: short protein forms N27S.
Identifiers: ClinVar variation 4885583 (VCV004885583.2).

ClinVar aggregate classification (germline): Uncertain significance (1 of 4 stars; one submission).

Submission:

Dasa
Classification: Uncertain significance. Last evaluated: 2024-12-09. Review status: criteria provided, single submitter. Criteria: DASA Assertion Criteria. Collection method: clinical testing. Allele origin: germline.
Comment: NM_020338.4(ZMIZ1):c.80A>G (p.Asn27Ser) is a missense variant that results in the substitution of asparagine with serine. This variant is absent from population databases. Computational prediction algorithms are consistent with a benign effect. The currently available literature and clinical evidence are not sufficient to establish a definitive association between this variant and the reported condition. Therefore, this variant is classified as a variant of uncertain significance.